The following is an entry in ClinVar:

ClinVar aggregate classification (germline): Uncertain significance (1 of 4 stars; one submission).

Submission:

Ambry Genetics
Classification: Uncertain significance. Last evaluated: 2026-08-15. Review status: criteria provided, single submitter. Criteria: Ambry Variant Classification Scheme 2023. Collection method: clinical testing. Allele origin: germline.
Comment: The p.E1902G variant (also known as c.5705A>G), located in coding exon 22 of the WNK2 gene, results from an A to G substitution at nucleotide position 5705. The glutamic acid at codon 1902 is replaced by glycine, an amino acid with similar properties. This amino acid position is conserved. In addition, this alteration is predicted to be deleterious by in silico analysis. Based on the available evidence, the clinical significance of this variant remains unclear.

NM_006648.4(WNK2):c.5705A>G (p.Glu1902Gly)

Gene: WNK2 (WNK lysine deficient protein kinase 2; plus strand). Cytogenetic location: 9q22.31.
Variant type: single nucleotide variant.
Coding change: c.5705A>G on transcript NM_006648.4 (MANE Select); coding-DNA position 5705, A replaced by G.
Protein change: p.Glu1902Gly; replaces glutamic acid 1902 with glycine.
Molecular consequence: missense variant.
Genome position (GRCh38, 1-based): chr9:93,293,170, A>G. VCF-style: chr9-93293170-A-G. GRCh37 (hg19) VCF-style: chr9-96055452-A-G.
Other names: c.5816A>G, p.Glu1939Gly (NM_001282394.3); short protein forms E1902G, E1939G.
Identifiers: ClinVar variation 5031927 (VCV005031927.1).